The following is an entry in ClinVar:

NM_004369.4(COL6A3):c.8122C>G (p.Gln2708Glu)

Gene: COL6A3 (collagen type VI alpha 3 chain; minus strand). Cytogenetic location: 2q37.3.
Variant type: single nucleotide variant.
Coding change: c.8122C>G on transcript NM_004369.4 (MANE Select); coding-DNA position 8122, C replaced by G.
Protein change: p.Gln2708Glu; replaces glutamine 2708 with glutamic acid.
Molecular consequence: missense variant.
Genome position (GRCh38, 1-based): chr2:237,340,794, G>C on the plus strand (C>G on the coding strand, the complement: COL6A3 is on the minus strand). VCF-style: chr2-237340794-G-C. GRCh37 (hg19) VCF-style: chr2-238249437-G-C.
Other names: c.6301C>G, p.Gln2101Glu (NM_057166.5); c.7504C>G, p.Gln2502Glu (NM_057167.4); short protein forms Q2502E, Q2101E, Q2708E.
Identifiers: ClinVar variation 1486722 (VCV001486722.3), dbSNP rs778195223, ClinGen allele CA2187625.

ClinVar aggregate classification (germline): Uncertain significance (1 of 4 stars; one submission).

Conditions:
Bethlem myopathy 1A. Also called: Bethlem myopathy 1; Bethlem Muscular Dystrophy; MYOPATHY, BENIGN CONGENITAL, WITH CONTRACTURES. Identifiers: Orphanet 610, MedGen CN029274, MONDO:0024530, OMIM 158810.

Allele frequency attached by ClinVar (database versions not stated): TOPMed 0.00001; gnomAD exomes below 0.00001; ExAC 0.00001; gnomAD 0.00001.

Submission:

Labcorp Genetics (formerly Invitae), Labcorp
Classification: Uncertain significance for Bethlem myopathy 1A. Last evaluated: 2021-10-04. Review status: criteria provided, single submitter. Criteria: Invitae Variant Classification Sherloc (09022015). Collection method: clinical testing. Allele origin: germline.
Comment: This sequence change replaces glutamine with glutamic acid at codon 2708 of the COL6A3 protein (p.Gln2708Glu). The glutamine residue is highly conserved and there is a small physicochemical difference between glutamine and glutamic acid. The frequency data for this variant in the population databases is considered unreliable, as metrics indicate poor data quality at this position in the ExAC database. This variant has not been reported in the literature in individuals affected with COL6A3-related conditions. Advanced modeling of protein sequence and biophysical properties (such as structural, functional, and spatial information, amino acid conservation, physicochemical variation, residue mobility, and thermodynamic stability) performed at Invitae indicates that this missense variant is not expected to disrupt COL6A3 protein function. In summary, the available evidence is currently insufficient to determine the role of this variant in disease. Therefore, it has been classified as a Variant of Uncertain Significance.